The following is an entry in ClinVar:

ClinVar aggregate classification (germline): Likely benign. Review status: criteria provided, single submitter (1 of 4 stars). 2 submissions from 2 submitters: Likely benign (1). 1 of the submissions does not count toward it. Last evaluated 2025-06-11.

Conditions:
HEMOGLOBIN TSUKUMI.

Submissions (2):

ARUP Laboratories, Molecular Genetics and Genomics, ARUP Laboratories
Classification: Likely benign. Last evaluated: 2025-06-11. Review status: criteria provided, single submitter. Criteria: ARUP Molecular Germline Variant Investigation Process 2024. Collection method: clinical testing. Allele origin: germline.
Comment: The Hb Rhode Island variant (HBB: c.349C>T; p.His117Tyr, also known as His116Tyr when numbered from the mature protein, rs34049764, HbVar ID: 1118) is reported in the literature in at least one heterozygous individual who was hematologically normal (HbVar database, Hoyer 2002). This variant is absent from the Genome Aggregation Database (v2.1.1), indicating it is not a common polymorphism. Computational analyses are uncertain whether this variant is neutral or deleterious (REVEL: 0.551). Based on available information, this variant is considered to be likely benign. References: Link to HbVar database: Hoyer JD et al. Four new beta chain hemoglobin variants without clinical or hematological effects: Hb San Bruno [beta39(C5)Gln-->His]; Hb Fort Dodge [beta93(F9)Cys-Tyr]; Hb Rhode Island [beta116(G18)His-->Tyr]; and Hb Inglewood [beta142(H20)Ala-->Thr]. Hemoglobin. 2002 Aug;26(3):299-303. PMID: 12403495.

OMIM
Classification: other for HEMOGLOBIN TSUKUMI. Last evaluated: 2017-12-12. Review status: no assertion criteria provided. Collection method: literature only. Allele origin: germline. Not counted in ClinVar's aggregate classification.

Literature cited by the submitters: PubMed 10870882 (cited by OMIM); PubMed 11300344 (cited by OMIM).

NM_000518.5(HBB):c.349C>T (p.His117Tyr)

Genes: HBB (hemoglobin subunit beta; minus strand), LOC107133510 (origin of replication at HBB; plus strand), LOC110006319 (beta-globin gene 3' regulatory region; plus strand). Cytogenetic location: 11p15.4.
Variant type: single nucleotide variant.
Coding change: c.349C>T on transcript NM_000518.5 (MANE Select); coding-DNA position 349, C replaced by T.
Protein change: p.His117Tyr; replaces histidine 117 with tyrosine.
Molecular consequence: missense variant.
Genome position (GRCh38, 1-based): chr11:5,225,693, G>A on the plus strand (C>T on the coding strand, the complement: HBB is on the minus strand). VCF-style: chr11-5225693-G-A. GRCh37 (hg19) VCF-style: chr11-5246923-G-A.
Other names: short protein forms H117Y.
Identifiers: ClinVar variation 15582 (VCV000015582.3), dbSNP rs34049764, ClinGen allele CA125486.